The following is an entry in ClinVar:

ClinVar aggregate classification (germline): Uncertain significance. Review status: criteria provided, multiple submitters, no conflicts (2 of 4 stars). 5 submissions from 4 submitters: Uncertain significance (5). Last evaluated 2026-01-11.

Conditions:
Developmental and epileptic encephalopathy, 14 (DEE14). Also called: Early infantile epileptic encephalopathy 14. Identifiers: Orphanet 293181, MedGen C3554195, MONDO:0013989, OMIM 614959.
Autosomal dominant nocturnal frontal lobe epilepsy 5. Also called: Epilepsy, nocturnal frontal lobe, 5; KCNT1-Related Epilepsy; CILIARY DYSKINESIA, PRIMARY, 28, WITHOUT SITUS INVERSUS; CILIARY DYSKINESIA, PRIMARY, 28, WITH SITUS INVERSUS. Identifiers: Orphanet 98784, MedGen C3554306, MONDO:0014002, OMIM 615005.

Allele frequency attached by ClinVar (database versions not stated): gnomAD 0.00001 and 0.00003; TOPMed 0.00001; gnomAD exomes 0.00002; 1000 Genomes Project 0.00020; 1000 Genomes Project 30x 0.00031.
gnomAD v4.1: 39 of 1,514,220 alleles (0.0026%); highest among the groups gnomAD compares: East Asian, 0.0075%; no homozygotes.

Submissions (5):

Labcorp Genetics (formerly Invitae), Labcorp
Classification: Uncertain significance for Autosomal dominant nocturnal frontal lobe epilepsy 5; Developmental and epileptic encephalopathy, 14. Last evaluated: 2026-01-11. Review status: criteria provided, single submitter. Criteria: Invitae Variant Classification Sherloc (09022015). Collection method: clinical testing. Allele origin: germline.
Comment: This sequence change replaces threonine, which is neutral and polar, with methionine, which is neutral and non-polar, at codon 699 of the KCNT1 protein (p.Thr699Met). The frequency data for this variant in the population databases is considered unreliable, as metrics indicate poor data quality at this position in the gnomAD database. This variant has not been reported in the literature in individuals affected with KCNT1-related conditions. ClinVar contains an entry for this variant (Variation ID: 566119). Invitae Evidence Modeling of protein sequence and biophysical properties (such as structural, functional, and spatial information, amino acid conservation, physicochemical variation, residue mobility, and thermodynamic stability) indicates that this missense variant is not expected to disrupt KCNT1 protein function with a negative predictive value of 80%. In summary, the available evidence is currently insufficient to determine the role of this variant in disease. Therefore, it has been classified as a Variant of Uncertain Significance.

Genome-Nilou Lab
Classification: Uncertain significance for Developmental and epileptic encephalopathy, 14. Last evaluated: 2022-03-15. Review status: criteria provided, single submitter. Criteria: ACMG Guidelines, 2015. Collection method: clinical testing. Allele origin: germline. Affected: no.

Genome-Nilou Lab
Classification: Uncertain significance for Autosomal dominant nocturnal frontal lobe epilepsy 5. Last evaluated: 2022-03-15. Review status: criteria provided, single submitter. Criteria: ACMG Guidelines, 2015. Collection method: clinical testing. Allele origin: germline. Affected: no.

CeGaT Center for Human Genetics Tuebingen
Classification: Uncertain significance. Last evaluated: 2021-12-01. Review status: criteria provided, single submitter. Criteria: CeGaT Center For Human Genetics Tuebingen Variant Classification Criteria Version 2. Collection method: clinical testing. Allele origin: germline. Affected: yes. Observed: 1 variant allele.

Revvity Omics, Revvity
Classification: Uncertain significance. Last evaluated: 2020-11-09. Review status: criteria provided, single submitter. Criteria: ACMG Guidelines, 2015. Collection method: clinical testing. Allele origin: germline.

NM_020822.3(KCNT1):c.2096C>T (p.Thr699Met)

Gene: KCNT1 (potassium sodium-activated channel subfamily T member 1; plus strand). Cytogenetic location: 9q34.3.
Variant type: single nucleotide variant.
Coding change: c.2096C>T on transcript NM_020822.3 (MANE Select); coding-DNA position 2096, C replaced by T.
Protein change: p.Thr699Met; replaces threonine 699 with methionine.
Molecular consequence: missense variant.
Genome position (GRCh38, 1-based): chr9:135,772,802, C>T. VCF-style: chr9-135772802-C-T. GRCh37 (hg19) VCF-style: chr9-138664648-C-T.
Other names: c.1961C>T, p.Thr654Met (NM_001272003.2); short protein forms T699M, T654M.
Identifiers: ClinVar variation 566119 (VCV000566119.46), dbSNP rs538197009, ClinGen allele CA201474680.
Genomic context (GRCh38, chr9:135,772,802, plus strand): 5'-CAGAGCACCGGCCTACGCAGAGCGGCGGTGGGGGCGGGGGCAGCAAGCTGGCACTGCCCA[C>T]GGAGAACGGCTCGGGCAGCCGGCGGCCCAGCATCGCGCCCGTCCTGGAACTGGCCGACAG-3'
Protein context (NP_065873.2, residues 689-709): GGGGSKLALP[Thr699Met]ENGSGSRRPS